The following is an entry in ClinVar:

ClinVar aggregate classification (germline): Uncertain significance (1 of 4 stars; one submission).

Allele frequency attached by ClinVar (database versions not stated): TOPMed below 0.00001.

Submission:

GeneDx
Classification: Uncertain significance. Last evaluated: 2019-10-17. Review status: criteria provided, single submitter. Criteria: GeneDx Variant Classification Process June 2021. Collection method: clinical testing. Allele origin: germline. Affected: yes.
Comment: Not observed in large population cohorts (Lek et al., 2016); In silico analysis, which includes protein predictors and evolutionary conservation, supports a deleterious effect; Has not been previously published as pathogenic or benign to our knowledge

NM_014225.6(PPP2R1A):c.50T>C (p.Ile17Thr)

Gene: PPP2R1A (protein phosphatase 2 scaffold subunit Aalpha; plus strand). Cytogenetic location: 19q13.41.
Variant type: single nucleotide variant.
Coding change: c.50T>C on transcript NM_014225.6 (MANE Select); coding-DNA position 50, T replaced by C.
Protein change: p.Ile17Thr; replaces isoleucine 17 with threonine.
Molecular consequence: missense variant. On other transcripts: non-coding transcript variant (1).
Genome position (GRCh38, 1-based): chr19:52,190,146, T>C. VCF-style: chr19-52190146-T-C. GRCh37 (hg19) VCF-style: chr19-52693399-T-C.
Other names: short protein forms I17T.
Identifiers: ClinVar variation 1189457 (VCV001189457.2), dbSNP rs1290240005, ClinGen allele CA407178566.